The following is an entry in ClinVar:

NM_003620.4(PPM1D):c.1550C>T (p.Thr517Ile)

Gene: PPM1D (protein phosphatase, Mg2+/Mn2+ dependent 1D; plus strand). Cytogenetic location: 17q23.2.
Variant type: single nucleotide variant.
Coding change: c.1550C>T on transcript NM_003620.4 (MANE Select); coding-DNA position 1550, C replaced by T.
Protein change: p.Thr517Ile; replaces threonine 517 with isoleucine.
Molecular consequence: missense variant.
Genome position (GRCh38, 1-based): chr17:60,663,284, C>T. VCF-style: chr17-60663284-C-T. GRCh37 (hg19) VCF-style: chr17-58740645-C-T.
Other names: short protein forms T517I.
Identifiers: ClinVar variation 696391 (VCV000696391.11), dbSNP rs140786757, ClinGen allele CA8687819.

ClinVar aggregate classification (germline): Likely benign. Review status: criteria provided, single submitter (1 of 4 stars). 2 submissions from 2 submitters: Likely benign (1). 1 of the submissions does not count toward it. Last evaluated 2025-08-11.

Conditions:
PPM1D-related disorder. Also called: PPM1D-related condition.

Allele frequency attached by ClinVar (database versions not stated): ExAC 0.00017; gnomAD exomes 0.00004 and 0.00020; gnomAD 0.00009 and 0.00011; 1000 Genomes Project 30x 0.00094; TOPMed 0.00015; 1000 Genomes Project 0.00100.
gnomAD v4.1: 110 of 1,614,170 alleles (0.0068%); highest among the groups gnomAD compares: East Asian, 0.14%; 2 homozygotes.

Submissions (2):

Labcorp Genetics (formerly Invitae), Labcorp
Classification: Likely benign. Last evaluated: 2025-08-11. Review status: criteria provided, single submitter. Criteria: Invitae Variant Classification Sherloc (09022015). Collection method: clinical testing. Allele origin: germline.

PreventionGenetics, part of Exact Sciences
Classification: Likely benign for PPM1D-related condition. Last evaluated: 2019-08-14. Review status: no assertion criteria provided. Collection method: clinical testing. Allele origin: germline. Not counted in ClinVar's aggregate classification.
Comment: This variant is classified as likely benign based on ACMG/AMP sequence variant interpretation guidelines (Richards et al. 2015 PMID: 25741868, with internal and published modifications).